The following is an entry in ClinVar:

NM_001276345.2(TNNT2):c.316G>A (p.Glu106Lys)

Gene: TNNT2 (troponin T2, cardiac type; minus strand). Cytogenetic location: 1q32.1.
Variant type: single nucleotide variant.
Coding change: c.316G>A on transcript NM_001276345.2 (MANE Select); coding-DNA position 316, G replaced by A.
Protein change: p.Glu106Lys; replaces glutamic acid 106 with lysine.
Molecular consequence: missense variant. On other transcripts: intron variant (1).
Genome position (GRCh38, 1-based): chr1:201,365,286, C>T on the plus strand (G>A on the coding strand, the complement: TNNT2 is on the minus strand). VCF-style: chr1-201365286-C-T. GRCh37 (hg19) VCF-style: chr1-201334414-C-T.
Other names: c.316G>A, p.Glu106Lys (NM_000364.4); c.286G>A, p.Glu96Lys (NM_001001430.3, NM_001001431.3, NM_001276347.2); c.271G>A, p.Glu91Lys (NM_001001432.3); c.291+324G>A (NM_001276346.2); short protein forms E96K, E106K, E91K.
Identifiers: ClinVar variation 224775 (VCV000224775.11), dbSNP rs869312881, ClinGen allele CA088557.

ClinVar aggregate classification (germline): Conflicting classifications of pathogenicity. Review status: criteria provided, conflicting classifications (1 of 4 stars). 4 submissions from 4 submitters: Pathogenic (1); Likely pathogenic (1); Uncertain significance (1). 1 of the submissions does not count toward it. Last evaluated 2024-01-09.

Conditions:
Cardiomyopathy (CMYO). Also called: Cardiomyopathies. Identifiers: Orphanet 167848, MedGen C0878544, MONDO:0004994, HP:0001638. Inheritance: Various modes of inheritance.
Dilated cardiomyopathy 1D. Identifiers: Orphanet 154, Orphanet 54260, MedGen C1832243, MONDO:0011095, OMIM 601494.
Cardiomyopathy, familial restrictive, 3. Identifiers: Orphanet 75249, MedGen C2676271, MONDO:0012900, OMIM 612422.
Hypertrophic cardiomyopathy 2. Also called: TNNT2-Related Familial Hypertrophic Cardiomyopathy. Identifiers: MedGen C1861864, MONDO:0007266, OMIM 115195.

Submissions (4):

Labcorp Genetics (formerly Invitae), Labcorp
Classification: Pathogenic for Cardiomyopathy, familial restrictive, 3; Hypertrophic cardiomyopathy 2; Dilated cardiomyopathy 1D. Last evaluated: 2024-01-09. Review status: criteria provided, single submitter. Criteria: Invitae Variant Classification Sherloc (09022015). Collection method: clinical testing. Allele origin: germline.
Comment: This sequence change replaces glutamic acid, which is acidic and polar, with lysine, which is basic and polar, at codon 96 of the TNNT2 protein (p.Glu96Lys). This variant is not present in population databases (gnomAD no frequency). This missense change has been observed in individuals with dilated cardiomyopathy, dilated cardiomyopathy with left ventricular non-compaction and/or sudden cardiac death (PMID: 16715312, 20083571, 34076677; Invitae). It has also been observed to segregate with disease in related individuals. This variant is also known as p.E108K. ClinVar contains an entry for this variant (Variation ID: 224775). Advanced modeling of protein sequence and biophysical properties (such as structural, functional, and spatial information, amino acid conservation, physicochemical variation, residue mobility, and thermodynamic stability) performed at Invitae indicates that this missense variant is expected to disrupt TNNT2 protein function with a positive predictive value of 95%. Experimental studies have shown that this missense change affects TNNT2 function (PMID: 20083571, 33025817). For these reasons, this variant has been classified as Pathogenic.

GeneDx
Classification: Likely pathogenic. Last evaluated: 2023-12-19. Review status: criteria provided, single submitter. Criteria: GeneDx Variant Classification Process June 2021. Collection method: clinical testing. Allele origin: germline. Affected: yes.
Comment: Reported in a proband with hypertrophic cardiomyopathy (PMID: 27476098); Reported in a proband from a cohort of individuals with sudden cardiac death, but detailed clinical information was not available (PMID: 34076677); Published functional studies demonstrate a damaging effect: transgenic mice over-expressing E96K developed a cardiomyopathy phenotype (PMID: 20083571); Not observed in large population cohorts (gnomAD); In silico analysis supports that this missense variant has a deleterious effect on protein structure/function; This variant is associated with the following publications: (PMID: 33025817, 21483645, 27066506, 27476098, 20083571, 16715312, 34076677)

CHEO Genetics Diagnostic Laboratory, Children's Hospital of Eastern Ontario
Classification: Uncertain significance for Cardiomyopathy. Last evaluated: 2020-01-20. Review status: criteria provided, single submitter. Criteria: ACMG Guidelines, 2015. Collection method: clinical testing. Allele origin: germline.

OMIM
Classification: Pathogenic for LEFT VENTRICULAR NONCOMPACTION 6. Last evaluated: 2010-06-01. Review status: no assertion criteria provided. Collection method: literature only. Allele origin: germline. Not counted in ClinVar's aggregate classification.

Literature cited by the submitters: PubMed 16715312 (cited by Labcorp Genetics (formerly Invitae), Labcorp); PubMed 20083571 (cited by Labcorp Genetics (formerly Invitae), Labcorp and OMIM); PubMed 34076677 (cited by Labcorp Genetics (formerly Invitae), Labcorp); PubMed 33025817 (cited by Labcorp Genetics (formerly Invitae), Labcorp).